The following is an entry in ClinVar:

NM_000062.3(SERPING1):c.803A>G (p.Lys268Arg)

Gene: SERPING1 (serpin family G member 1; plus strand). Cytogenetic location: 11q12.1.
Variant type: single nucleotide variant.
Coding change: c.803A>G on transcript NM_000062.3 (MANE Select); coding-DNA position 803, A replaced by G.
Protein change: p.Lys268Arg; replaces lysine 268 with arginine.
Molecular consequence: missense variant.
Genome position (GRCh38, 1-based): chr11:57,606,127, A>G. VCF-style: chr11-57606127-A-G. GRCh37 (hg19) VCF-style: chr11-57373600-A-G.
Other names: c.803A>G, p.Lys268Arg (NM_001032295.2); short protein forms K268R.
Identifiers: ClinVar variation 3620925 (VCV003620925.2).

ClinVar aggregate classification (germline): Uncertain significance (1 of 4 stars; one submission).

gnomAD v4.1: 36 of 1,614,036 alleles (0.0022%); highest among the groups gnomAD compares: South Asian, 0.038%; no homozygotes.

Submission:

Labcorp Genetics (formerly Invitae), Labcorp
Classification: Uncertain significance. Last evaluated: 2024-07-10. Review status: criteria provided, single submitter. Criteria: Invitae Variant Classification Sherloc (09022015). Collection method: clinical testing. Allele origin: germline.
Comment: This sequence change replaces lysine, which is basic and polar, with arginine, which is basic and polar, at codon 268 of the SERPING1 protein (p.Lys268Arg). This variant is present in population databases (rs746819128, gnomAD 0.03%). This variant has not been reported in the literature in individuals affected with SERPING1-related conditions. Advanced modeling of protein sequence and biophysical properties (such as structural, functional, and spatial information, amino acid conservation, physicochemical variation, residue mobility, and thermodynamic stability) performed at Invitae indicates that this missense variant is not expected to disrupt SERPING1 protein function with a negative predictive value of 80%. In summary, the available evidence is currently insufficient to determine the role of this variant in disease. Therefore, it has been classified as a Variant of Uncertain Significance.